The following is an entry in ClinVar:

ClinVar aggregate classification (germline): Conflicting classifications of pathogenicity. Review status: criteria provided, conflicting classifications (1 of 4 stars). 5 submissions from 5 submitters: Uncertain significance (4); Likely benign (1). Last evaluated 2026-04-22.

Conditions:
DYNC1H1-related disorder. Also called: DYNC1H1-related condition; DYNC1H1-related disorders. Identifiers: MedGen CN381529.
Inborn genetic diseases. Identifiers: MedGen C0950123, MeSH D030342.
Charcot-Marie-Tooth disease axonal type 2O. Also called: CHARCOT-MARIE-TOOTH NEUROPATHY, AXONAL, TYPE 2O; CHARCOT-MARIE-TOOTH DISEASE, AXONAL, AUTOSOMAL DOMINANT, TYPE 2O; Charcot-Marie-Tooth disease, axonal, type 20; Charcot-Marie-Tooth Neuropathy Type 2O. Identifiers: Orphanet 284232, MedGen C3280220, MONDO:0013644, OMIM 614228.

Allele frequency attached by ClinVar (database versions not stated): gnomAD exomes below 0.00001; TOPMed below 0.00001; gnomAD 0.00001; ESP Exome Variant Server 0.00008.
gnomAD v4.1: 25 of 1,614,192 alleles (0.0015%); highest among the groups gnomAD compares: East Asian, 0.0045%; no homozygotes.

Submissions (5):

PreventionGenetics, part of Exact Sciences
Classification: Uncertain significance for DYNC1H1-related condition. Last evaluated: 2026-04-22. Review status: criteria provided, single submitter. Criteria: ACMG Guidelines, 2015. Collection method: clinical testing. Allele origin: germline.
Comment: The DYNC1H1 c.6986A>G variant is predicted to result in the amino acid substitution p.Asn2329Ser. To our knowledge, this variant has not been reported in the literature. This variant is reported in 0.0040% of alleles in individuals of African descent in gnomAD. At this time, the clinical significance of this variant is uncertain due to the absence of conclusive functional and genetic evidence.

Ambry Genetics
Classification: Uncertain significance for Inborn genetic diseases. Last evaluated: 2025-12-09. Review status: criteria provided, single submitter. Criteria: Ambry Variant Classification Scheme 2023. Collection method: clinical testing. Allele origin: germline.
Comment: The c.6986A>G (p.N2329S) alteration is located in exon 34 (coding exon 34) of the DYNC1H1 gene. This alteration results from a A to G substitution at nucleotide position 6986, causing the asparagine (N) at amino acid position 2329 to be replaced by a serine (S). Based on data from gnomAD, the G allele has an overall frequency of 0.001% (2/282888) total alleles studied. The highest observed frequency was 0.004% (1/24966) of African alleles. Based on insufficient or conflicting evidence, the clinical significance of this alteration remains unclear.

Labcorp Genetics (formerly Invitae), Labcorp
Classification: Likely benign for Charcot-Marie-Tooth disease axonal type 2O. Last evaluated: 2025-03-31. Review status: criteria provided, single submitter. Criteria: Invitae Variant Classification Sherloc (09022015). Collection method: clinical testing. Allele origin: germline.

Athena Diagnostics
Classification: Uncertain significance. Last evaluated: 2025-02-25. Review status: criteria provided, single submitter. Criteria: Athena Diagnostics Criteria. Collection method: clinical testing. Allele origin: unknown.
Comment: Available data are insufficient to determine the clinical significance of the variant at this time. The frequency of this variant in the general population is uninformative in assessment of its pathogenicity. Polyphen and MutationTaster yielded discordant predictions regarding whether this amino acid change is damaging to the protein.

GeneDx
Classification: Uncertain significance. Last evaluated: 2023-02-14. Review status: criteria provided, single submitter. Criteria: GeneDx Variant Classification Process June 2021. Collection method: clinical testing. Allele origin: germline. Affected: yes.
Comment: In silico analysis supports that this missense variant has a deleterious effect on protein structure/function; Has not been previously published as pathogenic or benign to our knowledge; This variant is associated with the following publications: (PMID: 26100331, 25609763, 25512093)

NM_001376.5(DYNC1H1):c.6986A>G (p.Asn2329Ser)

Gene: DYNC1H1 (dynein cytoplasmic 1 heavy chain 1; plus strand). Cytogenetic location: 14q32.31.
Variant type: single nucleotide variant.
Coding change: c.6986A>G on transcript NM_001376.5 (MANE Select); coding-DNA position 6986, A replaced by G.
Protein change: p.Asn2329Ser; replaces asparagine 2329 with serine.
Molecular consequence: missense variant.
Genome position (GRCh38, 1-based): chr14:102,012,442, A>G. VCF-style: chr14-102012442-A-G. GRCh37 (hg19) VCF-style: chr14-102478779-A-G.
Other names: short protein forms N2329S.
Identifiers: ClinVar variation 539775 (VCV000539775.14), dbSNP rs142335110, ClinGen allele CA267004406.
Genomic context (GRCh38, chr14:102,012,442, plus strand): 5'-CAGAGTGGGTTGAGAACTTGAACTCAGTGCTGGATGACAATAAGCTCCTAACTTTGCCCA[A>G]TGGAGAGCGCCTCAGTCTTCCACCCAATGTAAGTAGCCTTTTGTATGTCGTCAACTGAAT-3'
Protein context (NP_001367.2, residues 2319-2339): LDDNKLLTLP[Asn2329Ser]GERLSLPPNV